The following is an entry in ClinVar:

ClinVar aggregate classification (germline): Likely benign. Review status: criteria provided, multiple submitters, no conflicts (2 of 4 stars). 3 submissions from 3 submitters: Likely benign (2). 1 of the submissions does not count toward it. Last evaluated 2026-03-01.

Conditions:
WDFY3-related disorder.
Inborn genetic diseases. Identifiers: MedGen C0950123, MeSH D030342.

Allele frequency attached by ClinVar (database versions not stated): gnomAD 0.00005; TOPMed 0.00007; gnomAD exomes 0.00008; ExAC 0.00030; 1000 Genomes Project 0.00060; 1000 Genomes Project 30x 0.00094.
gnomAD v4.1: 134 of 1,613,844 alleles (0.0083%); highest among the groups gnomAD compares: East Asian, 0.12%; no homozygotes.

Submissions (3):

CeGaT Center for Human Genetics Tuebingen
Classification: Likely benign. Last evaluated: 2026-03-01. Review status: criteria provided, single submitter. Criteria: CeGaT Center For Human Genetics Tuebingen Variant Classification Criteria Version 2. Collection method: clinical testing. Allele origin: germline. Affected: yes. Observed: 1 variant allele.
Comment: WDFY3: BP4, BS1

Ambry Genetics
Classification: Likely benign for Inborn genetic diseases. Last evaluated: 2024-05-13. Review status: criteria provided, single submitter. Criteria: Ambry Variant Classification Scheme 2023. Collection method: clinical testing. Allele origin: germline.

PreventionGenetics, part of Exact Sciences
Classification: Likely benign for WDFY3-related condition. Last evaluated: 2023-11-09. Review status: no assertion criteria provided. Collection method: clinical testing. Allele origin: germline. Not counted in ClinVar's aggregate classification.
Comment: This variant is classified as likely benign based on ACMG/AMP sequence variant interpretation guidelines (Richards et al. 2015 PMID: 25741868, with internal and published modifications).

NM_014991.6(WDFY3):c.3631G>A (p.Ala1211Thr)

Gene: WDFY3 (WD repeat and FYVE domain containing 3; minus strand). Cytogenetic location: 4q21.23.
Variant type: single nucleotide variant.
Coding change: c.3631G>A on transcript NM_014991.6 (MANE Select); coding-DNA position 3631, G replaced by A.
Protein change: p.Ala1211Thr; replaces alanine 1211 with threonine.
Molecular consequence: missense variant.
Genome position (GRCh38, 1-based): chr4:84,789,764, C>T on the plus strand (G>A on the coding strand, the complement: WDFY3 is on the minus strand). VCF-style: chr4-84789764-C-T. GRCh37 (hg19) VCF-style: chr4-85710917-C-T.
Other names: short protein forms A1211T.
Identifiers: ClinVar variation 3048029 (VCV003048029.7), dbSNP rs148026608, ClinGen allele CA2993457.
Genomic context (GRCh38, chr4:84,789,764, plus strand): 5'-TTACAAGTGCACATACACTTACCTTTACAGTGTTAACAAGCTGTCCATCAATATAAAGGG[C>T]TGCAGTACTGTTTTTCAACATGCCTTTGCTCATTACCAGGACCAAATGATGCCACTGTCC-3'
Protein context (NP_055806.2, residues 1201-1221): SKGMLKNSTA[Ala1211Thr]LYIDGQLVNT